The following is an entry in ClinVar:

NM_000487.6(ARSA):c.578C>G (p.Pro193Arg)

Gene: ARSA (arylsulfatase A; minus strand). Cytogenetic location: 22q13.33.
Variant type: single nucleotide variant.
Coding change: c.578C>G on transcript NM_000487.6 (MANE Select); coding-DNA position 578, C replaced by G.
Protein change: p.Pro193Arg; replaces proline 193 with arginine.
Molecular consequence: missense variant.
Genome position (GRCh38, 1-based): chr22:50,626,940, G>C on the plus strand (C>G on the coding strand, the complement: ARSA is on the minus strand). VCF-style: chr22-50626940-G-C. GRCh37 (hg19) VCF-style: chr22-51065368-G-C.
Other names: c.578C>G, p.Pro193Arg (NM_001085425.3, NM_001085426.3, NM_001085427.3); c.320C>G, p.Pro107Arg (NM_001085428.3, NM_001362782.2); short protein forms P107R, P193R.
Identifiers: ClinVar variation 3366534 (VCV003366534.4).

ClinVar aggregate classification (germline): Conflicting classifications of pathogenicity. Review status: criteria provided, conflicting classifications (1 of 4 stars). 2 submissions from 2 submitters: Likely pathogenic (1); Uncertain significance (1). Last evaluated 2025-07-23.

Conditions:
Metachromatic leukodystrophy (MLD). Also called: METACHROMATIC LEUKOENCEPHALOPATHY; SULFATIDE LIPIDOSIS; CEREBROSIDE SULFATASE DEFICIENCY; ARSA DEFICIENCY; Cerebral sclerosis diffuse metachromatic form; Arylsulfatase A Deficiency. Identifiers: Orphanet 512, MedGen C0023522, MONDO:0018868, OMIM 250100.

Submissions (2):

Women's Health and Genetics/Laboratory Corporation of America, LabCorp
Classification: Uncertain significance. Last evaluated: 2025-07-23. Review status: criteria provided, single submitter. Criteria: LabCorp Variant Classification Summary - May 2015. Collection method: clinical testing. Allele origin: germline.
Comment: Variant summary: ARSA c.578C>G (p.Pro193Arg) results in a non-conservative amino acid change in the encoded protein sequence. Algorithms developed to predict the effect of missense changes on protein structure and function all suggest that this variant is likely to be disruptive. The variant was absent in 249054 control chromosomes. The available data on variant occurrences in the general population are insufficient to allow any conclusion about variant significance. To our knowledge, no occurrence of c.578C>G in individuals affected with Metachromatic Leukodystrophy and no experimental evidence demonstrating its impact on protein function have been reported. ClinVar contains an entry for this variant (Variation ID: 3366534). Based on the evidence outlined above, the variant was classified as uncertain significance.

Labcorp Genetics (formerly Invitae), Labcorp
Classification: Likely pathogenic for Metachromatic leukodystrophy. Last evaluated: 2024-07-11. Review status: criteria provided, single submitter. Criteria: Invitae Variant Classification Sherloc (09022015). Collection method: clinical testing. Allele origin: germline.
Comment: This sequence change replaces proline, which is neutral and non-polar, with arginine, which is basic and polar, at codon 193 of the ARSA protein (p.Pro193Arg). This variant is not present in population databases (gnomAD no frequency). This variant has not been reported in the literature in individuals affected with ARSA-related conditions. Advanced modeling of protein sequence and biophysical properties (such as structural, functional, and spatial information, amino acid conservation, physicochemical variation, residue mobility, and thermodynamic stability) performed at Invitae indicates that this missense variant is expected to disrupt ARSA protein function with a positive predictive value of 95%. This variant disrupts the p.Pro193 amino acid residue in ARSA. Other variant(s) that disrupt this residue have been determined to be pathogenic (PMID: 10381328, 33185815). This suggests that this residue is clinically significant, and that variants that disrupt this residue are likely to be disease-causing. In summary, the currently available evidence indicates that the variant is pathogenic, but additional data are needed to prove that conclusively. Therefore, this variant has been classified as Likely Pathogenic.

Literature cited by the submitters: PubMed 10381328 (cited by Labcorp Genetics (formerly Invitae), Labcorp); PubMed 33185815 (cited by Labcorp Genetics (formerly Invitae), Labcorp).